The following is an entry in ClinVar:

ClinVar aggregate classification (germline): Uncertain significance (1 of 4 stars; one submission).

Submission:

Labcorp Genetics (formerly Invitae), Labcorp
Classification: Uncertain significance. Last evaluated: 2024-03-03. Review status: criteria provided, single submitter. Criteria: Invitae Variant Classification Sherloc (09022015). Collection method: clinical testing. Allele origin: germline.
Comment: This sequence change creates a premature translational stop signal (p.Glu19*) in the SEPT9 gene. It is expected to result in an absent or disrupted protein product. However, the current clinical and genetic evidence is not sufficient to establish whether loss-of-function variants in SEPT9 cause disease. This variant is not present in population databases (gnomAD no frequency). This variant has not been reported in the literature in individuals affected with SEPT9-related conditions. In summary, the available evidence is currently insufficient to determine the role of this variant in disease. Therefore, it has been classified as a Variant of Uncertain Significance.

NM_001113491.2(SEPTIN9):c.109G>T (p.Glu37Ter)

Gene: SEPTIN9 (septin 9; plus strand). Cytogenetic location: 17q25.3.
Variant type: single nucleotide variant.
Coding change: c.109G>T on transcript NM_001113491.2 (MANE Select); coding-DNA position 109, G replaced by T.
Protein change: p.Glu37Ter; replaces glutamic acid 37 with a stop codon.
Molecular consequence: nonsense. On other transcripts: 5 prime UTR variant (2).
Genome position (GRCh38, 1-based): chr17:77,402,091, G>T. VCF-style: chr17-77402091-G-T. GRCh37 (hg19) VCF-style: chr17-75398173-G-T.
Other names: c.-384G>T (NM_001113492.2, NM_001113494.1); c.88G>T, p.Glu30Ter (NM_001113493.2); c.52G>T, p.Glu18Ter (NM_001293695.2); c.55G>T, p.Glu19Ter (NM_006640.5); short protein forms E18*, E19*, E37*, E30*.
Identifiers: ClinVar variation 3644391 (VCV003644391.2).
Genomic context (GRCh38, chr17:77,402,091, plus strand): 5'-AATTGCATCCCCTCTCTTTATTTTTCAGCCTTGAAAAGATCTTTTGAGGTCGAGGAGGTC[G>T]AGACACCCAACTCCACCCCACCCCGGAGGGTCCAGACTCCCCTACTCCGAGCCACTGTGG-3'